The following is an entry in ClinVar:

NM_000256.3(MYBPC3):c.1471G>A (p.Val491Met)

Gene: MYBPC3 (myosin binding protein C3; minus strand). Cytogenetic location: 11p11.2.
Variant type: single nucleotide variant.
Coding change: c.1471G>A on transcript NM_000256.3 (MANE Select); coding-DNA position 1471, G replaced by A.
Protein change: p.Val491Met; replaces valine 491 with methionine.
Molecular consequence: missense variant.
Genome position (GRCh38, 1-based): chr11:47,342,731, C>T on the plus strand (G>A on the coding strand, the complement: MYBPC3 is on the minus strand). VCF-style: chr11-47342731-C-T. GRCh37 (hg19) VCF-style: chr11-47364282-C-T.
Other names: p.V491M:GTG>ATG; short protein forms V491M.
Identifiers: ClinVar variation 180940 (VCV000180940.26), dbSNP rs730880543, ClinGen allele CA010441.

ClinVar aggregate classification (germline): Uncertain significance. Review status: criteria provided, multiple submitters, no conflicts (2 of 4 stars). 11 submissions from 11 submitters: Uncertain significance (11). Last evaluated 2025-12-17.

Conditions:
MYBPC3-related disorder. Also called: MYBPC3-related disorders; MYBPC3-related condition; MYBPC3-related disease.
Cardiovascular phenotype. Identifiers: MedGen CN230736.
Hypertrophic cardiomyopathy 4. Also called: Familial hypertrophic cardiomyopathy 4. Identifiers: MedGen C1861862, MONDO:0007268, OMIM 115197.
Left ventricular noncompaction 10 (LVNC10). Identifiers: Orphanet 154, Orphanet 54260, MedGen C3715165, MONDO:0014163, OMIM 615396.
Cardiomyopathy (CMYO). Also called: Cardiomyopathies. Identifiers: Orphanet 167848, MedGen C0878544, MONDO:0004994, HP:0001638. Inheritance: Various modes of inheritance.
Hypertrophic cardiomyopathy. Also called: HYPERTROPHIC MYOCARDIOPATHY. Identifiers: Orphanet 217569, MedGen C0007194, MeSH D002312, MONDO:0005045, HP:0001639.

Allele frequency attached by ClinVar (database versions not stated): gnomAD 0.00001; TOPMed 0.00002; ExAC 0.00006; gnomAD exomes 0.00006 and 0.00008.
gnomAD v4.1: 115 of 1,613,870 alleles (0.0071%); highest among the groups gnomAD compares: Middle Eastern, 0.066%; no homozygotes.

Submissions (11):

Labcorp Genetics (formerly Invitae), Labcorp
Classification: Uncertain significance for Hypertrophic cardiomyopathy. Last evaluated: 2025-12-17. Review status: criteria provided, single submitter. Criteria: Invitae Variant Classification Sherloc (09022015). Collection method: clinical testing. Allele origin: germline.
Comment: This sequence change replaces valine, which is neutral and non-polar, with methionine, which is neutral and non-polar, at codon 491 of the MYBPC3 protein (p.Val491Met). This variant is present in population databases (rs730880543, gnomAD 0.01%). This missense change has been observed in individuals with hypertrophic cardiomyopathy (PMID: 20800588, 25351510, 25524337, 33495596, 33782553, 37652022; internal data). ClinVar contains an entry for this variant (Variation ID: 180940). An algorithm developed to predict the effect of missense changes on protein structure and function (PolyPhen-2) suggests that this variant is likely to be disruptive. In summary, the available evidence is currently insufficient to determine the role of this variant in disease. Therefore, it has been classified as a Variant of Uncertain Significance.

PreventionGenetics, part of Exact Sciences
Classification: Uncertain significance for MYBPC3-related condition. Last evaluated: 2025-11-20. Review status: criteria provided, single submitter. Criteria: ACMG Guidelines, 2015. Collection method: clinical testing. Allele origin: germline.
Comment: The MYBPC3 c.1471G>A variant is predicted to result in the amino acid substitution p.Val491Met. This variant has been reported in multiple individuals with hypertrophic cardiomyopathy (Table S2, Coppini et al. 2014. PubMed ID: 25524337; Table S1A, Walsh et al. 2017. PubMed ID: 27532257; Table S5, Viswanathan et al. 2017. PubMed ID: 29121657; Table S2, Thompson et al. 2021. PubMed ID: 33782553). However, this variant has also been documented in reference populations (Table S8, McGurk et al. 2023. PubMed ID: 37652022). This variant is reported in 0.011% of alleles in individuals of European (Non-Finnish) descent in gnomAD. At this time, the clinical significance of this variant is uncertain due to the absence of conclusive functional and genetic evidence.

Ambry Genetics
Classification: Uncertain significance for Cardiovascular phenotype. Last evaluated: 2025-07-09. Review status: criteria provided, single submitter. Criteria: Ambry Variant Classification Scheme 2023. Collection method: clinical testing. Allele origin: germline.
Comment: The p.V491M variant (also known as c.1471G>A), located in coding exon 17 of the MYBPC3 gene, results from a G to A substitution at nucleotide position 1471. The valine at codon 491 is replaced by methionine, an amino acid with highly similar properties. This alteration has been reported in hypertrophic cardiomyopathy (HCM) cohorts; however, clinical details were limited (Millat G et al. Clin Chim Acta, 2010 Dec;411:1983-91; Coppini R et al. J Am Coll Cardiol, 2014 Dec;64:2589-2600; Lopes LR et al. Heart, 2015 Feb;101:294-301; Walsh R et al. Genet Med, 2017 02;19:192-203; Magr&igrave; D et al. J Clin Med, 2020 May;9:[ePub ahead of print]). This amino acid position is well conserved in available vertebrate species. In addition, this alteration is predicted to be tolerated by in silico analysis. Based on the available evidence, the clinical significance of this variant remains unclear.

Revvity Omics, Revvity
Classification: Uncertain significance. Last evaluated: 2025-03-07. Review status: criteria provided, single submitter. Criteria: ACMG Guidelines, 2015. Collection method: clinical testing. Allele origin: germline.

All of Us Research Program, National Institutes of Health
Classification: Uncertain significance for Hypertrophic cardiomyopathy. Last evaluated: 2024-07-20. Review status: criteria provided, single submitter. Criteria: ACMG Guidelines, 2015. Collection method: clinical testing. Allele origin: germline. Inheritance: Autosomal dominant inheritance. Observed: 12 variant alleles, 12 heterozygotes.
Comment: This missense variant replaces valine with methionine at codon 491 of the MYBPC3 protein. Computational prediction tools indicate that this variant has a deleterious impact on protein structure and function. To our knowledge, functional studies have not been reported for this variant. This variant has been reported in individuals affected with hypertrophic cardiomyopathy (PMID: 20800588, 25351510, 25524337, 27532257, 32841044, 33495596, 33495597, 33782553), and in one individual affected with an unspecified cardiomyopathy (PMID: 37477868). This variant has also been identified in 14/249120 chromosomes in the general population by the Genome Aggregation Database (gnomAD). The available evidence is insufficient to determine the role of this variant in disease conclusively. Therefore, this variant is classified as a Variant of Uncertain Significance.

This study involves interpretation of variants in research participants for the purpose of population health screening. Participant phenotype was not available at the time of variant classification. Additional details can be found in publication PMID: 35346344, PMCID: PMC8962531

Color Diagnostics, LLC DBA Color Health
Classification: Uncertain significance for Cardiomyopathy. Last evaluated: 2024-04-26. Review status: criteria provided, single submitter. Criteria: ACMG Guidelines, 2015. Collection method: clinical testing. Allele origin: germline.
Comment: This missense variant replaces valine with methionine at codon 491 of the MYBPC3 protein. Computational prediction tools indicate that this variant has a deleterious impact on protein structure and function. To our knowledge, functional studies have not been reported for this variant. This variant has been reported in individuals affected with hypertrophic cardiomyopathy (PMID: 20800588, 25351510, 25524337, 27532257, 32841044, 33495596, 33495597, 33782553), and in one individual affected with an unspecified cardiomyopathy (PMID: 37477868). This variant has also been identified in 14/249120 chromosomes in the general population by the Genome Aggregation Database (gnomAD). The available evidence is insufficient to determine the role of this variant in disease conclusively. Therefore, this variant is classified as a Variant of Uncertain Significance.

Blueprint Genetics
Classification: Uncertain significance. Last evaluated: 2024-03-20. Review status: criteria provided, single submitter. Criteria: ACMG Guidelines, 2015. Collection method: clinical testing. Allele origin: germline.

Phosphorus, Inc.
Classification: Uncertain significance. Last evaluated: 2022-01-14. Review status: criteria provided, single submitter. Criteria: ACMG Guidelines, 2015. Collection method: clinical testing. Allele origin: germline. Inheritance: Autosomal dominant inheritance.
Comment: This missense variant results in an amino acid substitution of Valine with Methionine at codon 491 of the MYBPC3 gene (transcript: NM_000256.3). This variant has an entry in ClinVar (180940) NM_000256.3(MYBPC3):c.1471G>A (p.Val491Met). This variant occurred in gnomAD with a total MAF of 0 0.0057% and with the highest MAF of 0.0108% in the European population. This position is conserved. In silico functional algorithms predict this variant to be probably damaging (PolyPhen) and deleterious (SIFT). However, no functional studies were performed to confirm either of those predictions. The variant has occurred in the literature in association with hypertrophic cardiomyopathy (HCM) (PMID: 25524337, 20800588). Considering that this is a rare variant and the available evidence is not enough to ascertain its role in disease, it has been classified as Variant of Uncertain Significance.

Fulgent Genetics
Classification: Uncertain significance for Hypertrophic cardiomyopathy 4; Left ventricular noncompaction 10. Last evaluated: 2021-12-30. Review status: criteria provided, single submitter. Criteria: ACMG Guidelines, 2015. Collection method: clinical testing. Allele origin: unknown.

GeneDx
Classification: Uncertain significance. Last evaluated: 2018-10-30. Review status: criteria provided, single submitter. Criteria: GeneDx Variant Classification (06012015). Collection method: clinical testing. Allele origin: germline. Affected: yes.
Comment: The V491M variant of uncertain significance in the MYBPC3 gene has been reported in association with HCM (Coppini et al., 2014; Lopes et al., 2015; Walsh et al., 2017). This variant has been identified in at least two unrelated individuals referred for HCM genetic testing at GeneDx. The V491M variant is observed in 12/111,626 (0.1%) of alleles from individuals of European (non-Finnish) ancestry in large population cohorts (Lek et al., 2016). V491M is a conservative amino acid substitution, which is not likely to impact secondary protein structure as these residues share similar properties. Furthermore, in-silico analyses, including protein predictors and evolutionary conservation, support that this variant does not alter protein structure/function. Nevertheless, other pathogenic or likely pathogenic variants at a nearby residue (R495G, R495W, R495Q) have been reported in the Human Gene Mutation Database in association with cardiomyopathy (Stenson et al., 2014), supporting the functional importance of this region of the protein.Therefore, based on the currently available information, it is unclear whether this variant is pathogenic or benign.

Laboratory for Molecular Medicine, Mass General Brigham Personalized Medicine
Classification: Uncertain significance. Last evaluated: 2016-12-02. Review status: criteria provided, single submitter. Criteria: LMM Criteria. Collection method: clinical testing. Allele origin: germline.
Comment: Variant identified in a genome or exome case(s) and assessed due to predicted null impact of the variant or pathogenic assertions in the literature or databases. Disclaimer: This variant has not undergone full assessment. It is present in gnomAD at a Max MAF of 0.01% (12 European alleles). It is classified in ClinVar with 1 star as Likely Pathogenic by GeneDx (although their blurb suggests VUS) and VUS by Ambry. The variant is not present in Sarcomere Polyphen.

Literature cited by the submitters: PubMed 20800588 (cited by 4 submitters); PubMed 25351510 (cited by 4 submitters); PubMed 25524337 (cited by 4 submitters); PubMed 33495596 (cited by 3 submitters); PubMed 33782553 (cited by 3 submitters); PubMed 37652022 (cited by Labcorp Genetics (formerly Invitae), Labcorp); PubMed 27532257 (cited by 3 submitters); PubMed 29121657 (cited by Ambry Genetics); PubMed 32481709 (cited by Ambry Genetics); PubMed 32841044 (cited by 3 submitters); PubMed 33495597 (cited by 3 submitters); PubMed 37477868 (cited by 3 submitters).